The following is an entry in ClinVar:

NM_001042492.3(NF1):c.3831_3844del (p.Gly1277_Asn1278insTer)

Gene: NF1 (neurofibromin 1; plus strand). Cytogenetic location: 17q11.2.
Variant type: Deletion.
Coding change: c.3831_3844del on transcript NM_001042492.3 (MANE Select); coding-DNA positions 3831 to 3844, 14 bases deleted (CAACAGCTTGGCCA).
Protein change: p.Gly1277_Asn1278insTer.
Molecular consequence: frameshift variant. On other transcripts: nonsense (1).
Genome position (GRCh38, 1-based): chr17:31,235,733-31,235,746, CAACAGCTTGGCCA deleted. VCF-style (leftmost placement, unchanged base first): chr17-31235732-GCAACAGCTTGGCCA-G. GRCh37 (hg19) VCF-style: chr17-29562750-GCAACAGCTTGGCCA-G.
Other names: c.3831_3844delCAACAGCTTGGCCA, p.Asn1278Terfs (NM_000267.4).
Identifiers: ClinVar variation 3649828 (VCV003649828.2).

ClinVar aggregate classification (germline): Pathogenic (1 of 4 stars; one submission).

Conditions:
Neurofibromatosis, type 1 (NF1). Also called: Peripheral type neurofibromatosis; VON RECKLINGHAUSEN DISEASE; Neurofibromatosis, type I; NEUROFIBROMATOSIS, TYPE I, SOMATIC. Identifiers: Orphanet 636, MedGen C0027831, MONDO:0018975, OMIM 162200. Disease mechanism: loss of function.

Submission:

Labcorp Genetics (formerly Invitae), Labcorp
Classification: Pathogenic for Neurofibromatosis, type 1. Last evaluated: 2024-05-14. Review status: criteria provided, single submitter. Criteria: Invitae Variant Classification Sherloc (09022015). Collection method: clinical testing. Allele origin: germline.
Comment: This sequence change creates a premature translational stop signal (p.Asn1278*) in the NF1 gene. It is expected to result in an absent or disrupted protein product. Loss-of-function variants in NF1 are known to be pathogenic (PMID: 10712197, 23913538). This variant is not present in population databases (gnomAD no frequency). This variant has not been reported in the literature in individuals affected with NF1-related conditions. For these reasons, this variant has been classified as Pathogenic.

Literature cited by the submitters: PubMed 10712197; PubMed 23913538.